The following is an entry in ClinVar:

ClinVar aggregate classification (germline): Uncertain significance (1 of 4 stars; one submission).

Conditions:
Deficiency of aromatic-L-amino-acid decarboxylase. Also called: Aromatic amino acid decarboxylase deficiency; Aromatic L-Amino Acid Decarboxylase Deficiency; AADC DEFICIENCY; DDC DEFICIENCY; DOPA DECARBOXYLASE DEFICIENCY. Identifiers: Orphanet 35708, MedGen C1291564, MONDO:0012084, OMIM 608643.

Submission:

Labcorp Genetics (formerly Invitae), Labcorp
Classification: Uncertain significance for Deficiency of aromatic-L-amino-acid decarboxylase. Last evaluated: 2022-07-04. Review status: criteria provided, single submitter. Criteria: Invitae Variant Classification Sherloc (09022015). Collection method: clinical testing. Allele origin: germline.
Comment: In summary, the available evidence is currently insufficient to determine the role of this variant in disease. Therefore, it has been classified as a Variant of Uncertain Significance. Algorithms developed to predict the effect of missense changes on protein structure and function output the following: SIFT: "Tolerated"; PolyPhen-2: "Benign"; Align-GVGD: "Class C0". The lysine amino acid residue is found in multiple mammalian species, which suggests that this missense change does not adversely affect protein function. This variant has not been reported in the literature in individuals affected with DDC-related conditions. This variant is not present in population databases (gnomAD no frequency). This sequence change replaces arginine, which is basic and polar, with lysine, which is basic and polar, at codon 479 of the DDC protein (p.Arg479Lys).

NM_001082971.2(DDC):c.1436G>A (p.Arg479Lys)

Gene: DDC (dopa decarboxylase; minus strand). Cytogenetic location: 7p12.2.
Variant type: single nucleotide variant.
Coding change: c.1436G>A on transcript NM_001082971.2 (MANE Select); coding-DNA position 1436, G replaced by A.
Protein change: p.Arg479Lys; replaces arginine 479 with lysine.
Molecular consequence: missense variant.
Genome position (GRCh38, 1-based): chr7:50,463,238, C>T on the plus strand (G>A on the coding strand, the complement: DDC is on the minus strand). VCF-style: chr7-50463238-C-T. GRCh37 (hg19) VCF-style: chr7-50530936-C-T.
Other names: c.1436G>A, p.Arg479Lys (NM_000790.4); c.1322G>A, p.Arg441Lys (NM_001242886.2); c.1292G>A, p.Arg431Lys (NM_001242887.2); c.1202G>A, p.Arg401Lys (NM_001242888.2); c.1157G>A, p.Arg386Lys (NM_001242889.2); short protein forms R441K, R479K, R386K, R401K, R431K.
Identifiers: ClinVar variation 2013081 (VCV002013081.4), dbSNP rs776354811, ClinGen allele CA367527230.